The following is an entry in ClinVar:

ClinVar aggregate classification (germline): Uncertain significance. Review status: criteria provided, multiple submitters, no conflicts (2 of 4 stars). 4 submissions from 4 submitters: Uncertain significance (4). Last evaluated 2025-03-03.

Conditions:
Ciliary dyskinesia, primary, 46. Identifiers: MedGen C5543646, MONDO:0030332, OMIM 619436.

Allele frequency attached by ClinVar (database versions not stated): 1000 Genomes Project 0.00060; 1000 Genomes Project 30x 0.00062; gnomAD 0.00097; ESP Exome Variant Server 0.00108; ExAC 0.00113; gnomAD exomes 0.00115; TOPMed 0.00126.

Submissions (4):

Clinical Genomics Laboratory, Washington University in St. Louis
Classification: Uncertain significance for Ciliary dyskinesia, primary, 46. Last evaluated: 2025-03-03. Review status: criteria provided, single submitter. Criteria: ACMG Guidelines, 2015. Collection method: clinical testing. Allele origin: germline.
Comment: The STK36 c.365T>C (p.Leu122Pro) variant, to our knowledge, has not been reported in the medical literature but has been reported in the ClinVar database as a germline variant of uncertain significance by two submitters. This variant is only observed on 301/282,816 alleles in the general population (gnomAD v.2.1.1), indicating it is not a common variant. This variant occurs in the serine/threonine kinase domain immediately upstream of the HRD domain, and computational predictors indicate that the variant is damaging, evidence that correlates with impact to STK36 function. Due to limited information, and based on ACMG/AMP guidelines for variant interpretation (Richards S et al., PMID: 25741868), the clinical significance of this variant is uncertain at this time.

Blueprint Genetics
Classification: Uncertain significance. Last evaluated: 2024-11-13. Review status: criteria provided, single submitter. Criteria: ACMG Guidelines, 2015. Collection method: clinical testing. Allele origin: germline.

Clinical Genetics Laboratory, Skane University Hospital Lund
Classification: Uncertain significance. Last evaluated: 2023-07-03. Review status: criteria provided, single submitter. Criteria: ACMG Guidelines, 2015. Collection method: clinical testing. Allele origin: germline. Affected: yes.

Centre of Medical Genetics, University Hospital Muenster
Classification: Uncertain significance. Last evaluated: 2023-04-04. Review status: criteria provided, single submitter. Criteria: ACMG Guidelines, 2015. Collection method: clinical testing. Allele origin: unknown. Affected: yes. Observed: 1 variant allele, 1 heterozygote.
Comment: ACMG categories: PM1,PM2,PP3

NM_015690.5(STK36):c.365T>C (p.Leu122Pro)

Gene: STK36 (serine/threonine kinase 36; plus strand). Cytogenetic location: 2q35.
Variant type: single nucleotide variant.
Coding change: c.365T>C on transcript NM_015690.5 (MANE Select); coding-DNA position 365, T replaced by C.
Protein change: p.Leu122Pro; replaces leucine 122 with proline.
Molecular consequence: missense variant.
Genome position (GRCh38, 1-based): chr2:218,675,404, T>C. VCF-style: chr2-218675404-T-C. GRCh37 (hg19) VCF-style: chr2-219540127-T-C.
Other names: c.365T>C, p.Leu122Pro (NM_001243313.2, NM_001369423.1); short protein forms L122P.
Identifiers: ClinVar variation 2504123 (VCV002504123.5), dbSNP rs148800637, ClinGen allele CA2110448.